The following is an entry in ClinVar:

NM_173728.4(ARHGEF15):c.1856G>A (p.Arg619His)

Gene: ARHGEF15 (Rho guanine nucleotide exchange factor 15; plus strand). Cytogenetic location: 17p13.1.
Variant type: single nucleotide variant.
Coding change: c.1856G>A on transcript NM_173728.4 (MANE Select); coding-DNA position 1856, G replaced by A.
Protein change: p.Arg619His; replaces arginine 619 with histidine.
Molecular consequence: missense variant.
Genome position (GRCh38, 1-based): chr17:8,318,646, G>A. VCF-style: chr17-8318646-G-A. GRCh37 (hg19) VCF-style: chr17-8221964-G-A.
Other names: c.1856G>A, p.Arg619His (NM_025014.2); short protein forms R619H.
Identifiers: ClinVar variation 842106 (VCV000842106.10), dbSNP rs145017019, ClinGen allele CA8375330.

ClinVar aggregate classification (germline): Uncertain significance (1 of 4 stars; one submission).

Conditions:
Early-infantile DEE. Also called: Ohtahara syndrome; Early infantile epileptic encephalopathy with suppression bursts; Early infantile epileptic encephalopathy. Identifiers: Orphanet 1934, MedGen C0393706, MONDO:0800491.

Allele frequency attached by ClinVar (database versions not stated): ExAC 0.00001; gnomAD exomes 0.00001 and 0.00002; gnomAD 0.00006; TOPMed 0.00007; ESP Exome Variant Server 0.00008.

Submission:

Labcorp Genetics (formerly Invitae), Labcorp
Classification: Uncertain significance for Early-infantile DEE. Last evaluated: 2022-07-26. Review status: criteria provided, single submitter. Criteria: Invitae Variant Classification Sherloc (09022015). Collection method: clinical testing. Allele origin: germline.
Comment: This sequence change replaces arginine, which is basic and polar, with histidine, which is basic and polar, at codon 619 of the ARHGEF15 protein (p.Arg619His). This variant is present in population databases (rs145017019, gnomAD 0.02%). This variant has not been reported in the literature in individuals affected with ARHGEF15-related conditions. ClinVar contains an entry for this variant (Variation ID: 842106). Algorithms developed to predict the effect of missense changes on protein structure and function are either unavailable or do not agree on the potential impact of this missense change (SIFT: "Deleterious"; PolyPhen-2: "Probably Damaging"; Align-GVGD: "Class C0"). In summary, the available evidence is currently insufficient to determine the role of this variant in disease. Therefore, it has been classified as a Variant of Uncertain Significance.